The following is an entry in ClinVar:

NM_016507.4(CDK12):c.716G>C (p.Gly239Ala)

Genes: CDK12 (cyclin dependent kinase 12; plus strand), LOC126862553 (CDK7 strongly-dependent group 2 enhancer GRCh37_chr17:37618166-37619365; plus strand). Cytogenetic location: 17q12.
Variant type: single nucleotide variant.
Coding change: c.716G>C on transcript NM_016507.4 (MANE Select); coding-DNA position 716, G replaced by C.
Protein change: p.Gly239Ala; replaces glycine 239 with alanine.
Molecular consequence: missense variant.
Genome position (GRCh38, 1-based): chr17:39,462,787, G>C. VCF-style: chr17-39462787-G-C. GRCh37 (hg19) VCF-style: chr17-37619040-G-C.
Other names: c.716G>C, p.Gly239Ala (NM_015083.4); short protein forms G239A.
Identifiers: ClinVar variation 3999395 (VCV003999395.1).

ClinVar aggregate classification (germline): Uncertain significance (1 of 4 stars; one submission).

Submission:

Ambry Genetics
Classification: Uncertain significance. Last evaluated: 2025-04-25. Review status: criteria provided, single submitter. Criteria: Ambry Variant Classification Scheme 2023. Collection method: clinical testing. Allele origin: germline.
Comment: The p.G239A variant (also known as c.716G>C), located in coding exon 1 of the CDK12 gene, results from a G to C substitution at nucleotide position 716. The glycine at codon 239 is replaced by alanine, an amino acid with similar properties. This amino acid position is conserved. In addition, this alteration is predicted to be tolerated by in silico analysis. Based on the available evidence, the clinical significance of this variant remains unclear.